The following is an entry in ClinVar:

NM_001711.6(BGN):c.910-17G>C

Gene: BGN (biglycan; plus strand). Cytogenetic location: Xq28.
Variant type: single nucleotide variant.
Coding change: c.910-17G>C on transcript NM_001711.6 (MANE Select); 17 bases into the intron before coding-DNA position 910, G replaced by C.
Molecular consequence: intron variant.
Genome position (GRCh38, 1-based): chrX:153,508,231, G>C. VCF-style: chrX-153508231-G-C. GRCh37 (hg19) VCF-style: chrX-152773689-G-C.
Identifiers: ClinVar variation 4847163 (VCV004847163.1).

ClinVar aggregate classification (germline): Likely benign (1 of 4 stars; one submission).

Submission:

Women's Health and Genetics/Laboratory Corporation of America, LabCorp
Classification: Likely benign. Last evaluated: 2026-03-17. Review status: criteria provided, single submitter. Criteria: LabCorp Variant Classification Summary - May 2015. Collection method: clinical testing. Allele origin: germline.
Comment: Variant summary: BGN c.910-17G>C alters a nucleotide located at a position not widely known to affect splicing. The variant allele was found at a frequency of 5.5e-06 in 180550 control chromosomes. The available data on variant occurrences in the general population are insufficient to allow any conclusion about variant significance. To our knowledge, no occurrence of c.910-17G>C in individuals affected with BGN-related conditions and no experimental evidence demonstrating its impact on protein function have been reported. No submitters have cited clinical-significance assessments for this variant to ClinVar. Based on the evidence outlined above, the variant was classified as likely benign.